The following is an entry in ClinVar:

ClinVar aggregate classification (germline): Uncertain significance (1 of 4 stars; one submission).

Submission:

Labcorp Genetics (formerly Invitae), Labcorp
Classification: Uncertain significance. Last evaluated: 2022-07-14. Review status: criteria provided, single submitter. Criteria: Invitae Variant Classification Sherloc (09022015). Collection method: clinical testing. Allele origin: germline.
Comment: In summary, the available evidence is currently insufficient to determine the role of this variant in disease. Therefore, it has been classified as a Variant of Uncertain Significance. Algorithms developed to predict the effect of missense changes on protein structure and function are either unavailable or do not agree on the potential impact of this missense change (SIFT: "Tolerated"; PolyPhen-2: "Possibly Damaging"; Align-GVGD: "Class C0"). This sequence change replaces histidine, which is basic and polar, with leucine, which is neutral and non-polar, at codon 334 of the PEX3 protein (p.His334Leu). This variant is not present in population databases (gnomAD no frequency). This variant has not been reported in the literature in individuals affected with PEX3-related conditions.

NM_003630.3(PEX3):c.1001A>T (p.His334Leu)

Gene: PEX3 (peroxisomal biogenesis factor 3; plus strand). Cytogenetic location: 6q24.2.
Variant type: single nucleotide variant.
Coding change: c.1001A>T on transcript NM_003630.3 (MANE Select); coding-DNA position 1001, A replaced by T.
Protein change: p.His334Leu; replaces histidine 334 with leucine.
Molecular consequence: missense variant.
Genome position (GRCh38, 1-based): chr6:143,485,211, A>T. VCF-style: chr6-143485211-A-T. GRCh37 (hg19) VCF-style: chr6-143806348-A-T.
Other names: short protein forms H334L.
Identifiers: ClinVar variation 1997008 (VCV001997008.4), dbSNP rs1780300481, ClinGen allele CA365887516.